The following is an entry in ClinVar:

ClinVar aggregate classification (germline): Pathogenic (1 of 4 stars; one submission).

Conditions:
UDPglucose-4-epimerase deficiency. Also called: UDP-GALACTOSE-4-EPIMERASE DEFICIENCY; Galactose epimerase deficiency; UDPglucose 4-Epimerase Deficiency Disease; GALACTOSEMIA III; GALE DEFICIENCY; Epimerase Deficiency Galactosemia. Identifiers: Orphanet 352, Orphanet 79238, MedGen C0751161, MONDO:0009257, OMIM 230350.

Submission:

Labcorp Genetics (formerly Invitae), Labcorp
Classification: Pathogenic for UDPglucose-4-epimerase deficiency. Last evaluated: 2026-01-26. Review status: criteria provided, single submitter. Criteria: Invitae Variant Classification Sherloc (09022015). Collection method: clinical testing. Allele origin: germline.
Comment: This sequence change creates a premature translational stop signal (p.Ile252Hisfs*52) in the GALE gene. It is expected to result in an absent or disrupted protein product. Loss-of-function variants in GALE are known to be pathogenic (PMID: 16301867). This variant is not present in population databases (gnomAD no frequency). This variant has not been reported in the literature in individuals affected with GALE-related conditions. For these reasons, this variant has been classified as Pathogenic.

Literature cited by the submitters: PubMed 16301867.

NM_001008216.2(GALE):c.753dup (p.Ile252fs)

Gene: GALE (UDP-galactose-4-epimerase; minus strand). Cytogenetic location: 1p36.11.
Variant type: Duplication.
Coding change: c.753dup on transcript NM_001008216.2 (MANE Select); coding-DNA position 753, one base duplicated (C; older notation c.753dupC).
Protein change: p.Ile252fs; shifts the reading frame from isoleucine 252.
Molecular consequence: frameshift variant.
Genome position (GRCh38, 1-based): chr1:23,796,739, G duplicated on the plus strand (C on the coding strand, the reverse complement: GALE is on the minus strand). VCF-style (leftmost placement, unchanged base first): chr1-23796738-T-TG. GRCh37 (hg19) VCF-style: chr1-24123228-T-TG.
Other names: c.753dup, p.Ile252fs (NM_000403.4, NM_001127621.2); short protein forms I252fs.
Identifiers: ClinVar variation 4735879 (VCV004735879.1).